The following is an entry in ClinVar:

ClinVar aggregate classification (germline): Uncertain significance (1 of 4 stars; one submission).

Allele frequency attached by ClinVar (database versions not stated): gnomAD 0.00001; TOPMed 0.00001; gnomAD exomes 0.00002.
gnomAD v4.1: 22 of 1,527,574 alleles (0.0014%); highest among the groups gnomAD compares: Non-Finnish European, 0.0018%; no homozygotes.

Submission:

Labcorp Genetics (formerly Invitae), Labcorp
Classification: Uncertain significance. Last evaluated: 2024-10-28. Review status: criteria provided, single submitter. Criteria: Invitae Variant Classification Sherloc (09022015). Collection method: clinical testing. Allele origin: germline.
Comment: This sequence change replaces aspartic acid, which is acidic and polar, with glycine, which is neutral and non-polar, at codon 216 of the PDE2A protein (p.Asp216Gly). The frequency data for this variant in the population databases is considered unreliable, as metrics indicate poor data quality at this position in the gnomAD database. This variant has not been reported in the literature in individuals affected with PDE2A-related conditions. ClinVar contains an entry for this variant (Variation ID: 1947492). An algorithm developed to predict the effect of missense changes on protein structure and function (PolyPhen-2) suggests that this variant is likely to be tolerated. In summary, the available evidence is currently insufficient to determine the role of this variant in disease. Therefore, it has been classified as a Variant of Uncertain Significance.

NM_002599.5(PDE2A):c.647A>G (p.Asp216Gly)

Gene: PDE2A (phosphodiesterase 2A; minus strand). Cytogenetic location: 11q13.4.
Variant type: single nucleotide variant.
Coding change: c.647A>G on transcript NM_002599.5 (MANE Select); coding-DNA position 647, A replaced by G.
Protein change: p.Asp216Gly; replaces aspartic acid 216 with glycine.
Molecular consequence: missense variant.
Genome position (GRCh38, 1-based): chr11:72,590,483, T>C on the plus strand (A>G on the coding strand, the complement: PDE2A is on the minus strand). VCF-style: chr11-72590483-T-C. GRCh37 (hg19) VCF-style: chr11-72301527-T-C.
Other names: c.626A>G, p.Asp209Gly (NM_001143839.4); c.620A>G, p.Asp207Gly (NM_001146209.3); c.584A>G, p.Asp195Gly (NM_001243784.2); short protein forms D195G, D209G, D207G, D216G.
Identifiers: ClinVar variation 1947492 (VCV001947492.5), dbSNP rs1195161140, ClinGen allele CA381766100.